The following is an entry in ClinVar:

NM_002541.4(OGDH):c.2358+6C>T

Gene: OGDH (oxoglutarate dehydrogenase; plus strand). Cytogenetic location: 7p13.
Variant type: single nucleotide variant.
Coding change: c.2358+6C>T on transcript NM_002541.4 (MANE Select); 6 bases into the intron after coding-DNA position 2358, C replaced by T.
Molecular consequence: intron variant.
Genome position (GRCh38, 1-based): chr7:44,697,788, C>T. VCF-style: chr7-44697788-C-T. GRCh37 (hg19) VCF-style: chr7-44737387-C-T.
Other names: c.2391+6C>T (NM_001363523.2); c.2346+6C>T (NM_001165036.2).
Identifiers: ClinVar variation 1967044 (VCV001967044.5), dbSNP rs2484961099, ClinGen allele CA2580077179.

ClinVar aggregate classification (germline): Uncertain significance (1 of 4 stars; one submission).

Conditions:
Oxoglutaricaciduria. Identifiers: Orphanet 31, MedGen C2752074, MONDO:0008759, OMIM 203740.

Allele frequency attached by ClinVar (database versions not stated): gnomAD exomes below 0.00001.
gnomAD v4.1: 3 of 1,611,284 alleles (0.00019%); highest among the groups gnomAD compares: Non-Finnish European, 0.00017%; no homozygotes.

Submission:

Labcorp Genetics (formerly Invitae), Labcorp
Classification: Uncertain significance for Oxoglutaricaciduria. Last evaluated: 2022-10-05. Review status: criteria provided, single submitter. Criteria: Invitae Variant Classification Sherloc (09022015). Collection method: clinical testing. Allele origin: germline.
Comment: In summary, the available evidence is currently insufficient to determine the role of this variant in disease. Therefore, it has been classified as a Variant of Uncertain Significance. Variants that disrupt the consensus splice site are a relatively common cause of aberrant splicing (PMID: 17576681, 9536098). Algorithms developed to predict the effect of sequence changes on RNA splicing suggest that this variant is not likely to affect RNA splicing. This variant has not been reported in the literature in individuals affected with OGDH-related conditions. This variant is not present in population databases (gnomAD no frequency). This sequence change falls in intron 17 of the OGDH gene. It does not directly change the encoded amino acid sequence of the OGDH protein. It affects a nucleotide within the consensus splice site.

Literature cited by the submitters: PubMed 17576681; PubMed 9536098.